The following is an entry in ClinVar:

ClinVar aggregate classification (germline): Pathogenic/Likely pathogenic. Review status: criteria provided, multiple submitters, no conflicts (2 of 4 stars). 2 submissions from 2 submitters: Pathogenic (1); Likely pathogenic (1). Last evaluated 2020-01-11.

Conditions:
Niemann-Pick disease, type C1. Also called: NEUROVISCERAL STORAGE DISEASE WITH VERTICAL SUPRANUCLEAR OPHTHALMOPLEGIA; NIEMANN-PICK DISEASE WITH CHOLESTEROL ESTERIFICATION BLOCK; NIEMANN-PICK DISEASE WITHOUT SPHINGOMYELINASE DEFICIENCY; NIEMANN-PICK DISEASE, CHRONIC NEURONOPATHIC FORM; NIEMANN-PICK DISEASE, VARIANT TYPE C1. Identifiers: Orphanet 646, MedGen C3179455, MONDO:0009757, OMIM 257220.

Submissions (2):

Labcorp Genetics (formerly Invitae), Labcorp
Classification: Likely pathogenic for Niemann-Pick disease, type C1. Last evaluated: 2020-01-11. Review status: criteria provided, single submitter. Criteria: Invitae Variant Classification Sherloc (09022015). Collection method: clinical testing. Allele origin: germline.
Comment: A different variant (c.2974G>T) giving rise to the same protein effect observed here (p.Gly992Trp) has been reported to be a very common cause of Niemann-Pick disease type C (PMID: 9634529, 12955717), indicating that this residue may be critical for protein function. This variant has not been reported in the literature in individuals with NPC1-related disease. This variant is not present in population databases (ExAC no frequency). Algorithms developed to predict the effect of missense changes on protein structure and function do not agree on the potential impact of this missense change (SIFT: "Tolerated"; PolyPhen-2: "Probably Damaging"; Align-GVGD: "Class C0"). Algorithms developed to predict the effect of missense changes on protein structure and function do not agree on the potential impact of this missense change (SIFT: "Tolerated"; PolyPhen-2: "Probably Damaging"; Align-GVGD: "Class C0"). In summary, the currently available evidence indicates that the variant is pathogenic, but additional data are needed to prove that conclusively. Therefore, this variant has been classified as Likely Pathogenic.

Eurofins Ntd Llc (ga)
Classification: Pathogenic. Last evaluated: 2017-08-10. Review status: criteria provided, single submitter. Criteria: EGL Classification Definitions 2015. Collection method: clinical testing. Allele origin: germline. Observed: 1 variant allele, 1 heterozygote.

Literature cited by the submitters: PubMed 9634529 (cited by Labcorp Genetics (formerly Invitae), Labcorp); PubMed 12955717 (cited by Labcorp Genetics (formerly Invitae), Labcorp).

NM_000271.5(NPC1):c.2973_2974delinsAT (p.Gly992Trp)

Gene: NPC1 (NPC intracellular cholesterol transporter 1; minus strand). Cytogenetic location: 18q11.2.
Variant type: Indel.
Coding change: c.2973_2974delinsAT on transcript NM_000271.5 (MANE Select); coding-DNA positions 2973 to 2974, GG replaced by AT.
Protein change: p.Gly992Trp; replaces glycine 992 with tryptophan.
Molecular consequence: missense variant.
Genome position (GRCh38, 1-based): chr18:23,538,609-23,538,610, CC replaced by AT on the plus strand (GG replaced by AT on the coding strand, the reverse complement: NPC1 is on the minus strand). VCF-style: chr18-23538609-CC-AT. GRCh37 (hg19) VCF-style: chr18-21118573-CC-AT.
Other names: short protein forms G992W.
Identifiers: ClinVar variation 539309 (VCV000539309.11), dbSNP rs1555632971, ClinGen allele CA658799013.